The following is an entry in ClinVar:

NM_206933.4(USH2A):c.5254T>G (p.Leu1752Val)

Genes: USH2A (usherin; minus strand), USH2A-AS2 (USH2A antisense RNA 2; plus strand). Cytogenetic location: 1q41.
Variant type: single nucleotide variant.
Coding change: c.5254T>G on transcript NM_206933.4 (MANE Select); coding-DNA position 5254, T replaced by G.
Protein change: p.Leu1752Val; replaces leucine 1752 with valine.
Molecular consequence: missense variant.
Genome position (GRCh38, 1-based): chr1:216,083,500, A>C on the plus strand (T>G on the coding strand, the complement: USH2A is on the minus strand). VCF-style: chr1-216083500-A-C. GRCh37 (hg19) VCF-style: chr1-216256842-A-C.
Other names: short protein forms L1752V.
Identifiers: ClinVar variation 166497 (VCV000166497.5), dbSNP rs727503728, ClinGen allele CA179557.
Genomic context (GRCh38, chr1:216,083,500, plus strand): 5'-AAATTAATTCACATACAGCAAGAAAATCAGGTCCATCTTTGTTATAAACGAAAAGAAGCA[A>C]TCCATTTAATTGGTCAGTTCTGAACTTAAAGGAAATCTCAAAGTTCATTCCACCATGAAA-3'
Protein context (NP_996816.3, residues 1742-1762): FKFRTDQLNG[Leu1752Val]LLFVYNKDGP

ClinVar aggregate classification (germline): Uncertain significance (1 of 4 stars; one submission).

Submission:

Laboratory for Molecular Medicine, Mass General Brigham Personalized Medicine
Classification: Uncertain significance. Last evaluated: 2014-12-02. Review status: criteria provided, single submitter. Criteria: LMM Criteria. Collection method: clinical testing. Allele origin: germline. Observed: 1 variant allele.
Comment: The p.Leu1752Val variant in USH2A has not been previously reported in individual s with hearing loss or in large population studies. Computational prediction too ls and conservation analysis do not provide strong support for or against an imp act to the protein. In summary, the clinical significance of the p.Leu1752Val va riant is uncertain.